The following is an entry in ClinVar:

ClinVar aggregate classification (germline): Uncertain significance (1 of 4 stars; one submission).

Conditions:
Joubert syndrome. Also called: CEREBELLOPARENCHYMAL DISORDER IV; JOUBERT-BOLTSHAUSER SYNDROME; Familial aplasia of the vermis. Identifiers: Orphanet 475, MedGen C5979921, MONDO:0018772.

gnomAD v4.1: 1 of 1,604,616 alleles (0.000062%); highest among the groups gnomAD compares: Non-Finnish European, 0.000085%; no homozygotes.

Submission:

Labcorp Genetics (formerly Invitae), Labcorp
Classification: Uncertain significance for Joubert syndrome. Last evaluated: 2022-08-28. Review status: criteria provided, single submitter. Criteria: Invitae Variant Classification Sherloc (09022015). Collection method: clinical testing. Allele origin: germline.
Comment: Advanced modeling of protein sequence and biophysical properties (such as structural, functional, and spatial information, amino acid conservation, physicochemical variation, residue mobility, and thermodynamic stability) performed at Invitae indicates that this missense variant is not expected to disrupt INPP5E protein function. This variant has not been reported in the literature in individuals affected with INPP5E-related conditions. This variant is not present in population databases (gnomAD no frequency). This sequence change replaces proline, which is neutral and non-polar, with leucine, which is neutral and non-polar, at codon 191 of the INPP5E protein (p.Pro191Leu). In summary, the available evidence is currently insufficient to determine the role of this variant in disease. Therefore, it has been classified as a Variant of Uncertain Significance.

NM_019892.6(INPP5E):c.572C>T (p.Pro191Leu)

Gene: INPP5E (inositol polyphosphate-5-phosphatase E; minus strand). Cytogenetic location: 9q34.3.
Variant type: single nucleotide variant.
Coding change: c.572C>T on transcript NM_019892.6 (MANE Select); coding-DNA position 572, C replaced by T.
Protein change: p.Pro191Leu; replaces proline 191 with leucine.
Molecular consequence: missense variant.
Genome position (GRCh38, 1-based): chr9:136,438,848, G>A on the plus strand (C>T on the coding strand, the complement: INPP5E is on the minus strand). VCF-style: chr9-136438848-G-A. GRCh37 (hg19) VCF-style: chr9-139333300-G-A.
Other names: c.572C>T, p.Pro191Leu (NM_001318502.2); short protein forms P191L.
Identifiers: ClinVar variation 2201436 (VCV002201436.4), dbSNP rs61734181, ClinGen allele CA375568323.